The following is an entry in ClinVar:

ClinVar aggregate classification (germline): Uncertain significance (1 of 4 stars; one submission).

Submission:

GeneDx
Classification: Uncertain significance. Last evaluated: 2022-01-14. Review status: criteria provided, single submitter. Criteria: GeneDx Variant Classification Process June 2021. Collection method: clinical testing. Allele origin: germline. Affected: yes.
Comment: Not observed at significant frequency in large population cohorts (gnomAD); In silico analysis supports that this missense variant does not alter protein structure/function; Has not been previously published as pathogenic or benign to our knowledge

NM_001348800.3(ZBTB20):c.1423C>A (p.Leu475Ile)

Gene: ZBTB20 (zinc finger and BTB domain containing 20; minus strand). Cytogenetic location: 3q13.31.
Variant type: single nucleotide variant.
Coding change: c.1423C>A on transcript NM_001348800.3 (MANE Select); coding-DNA position 1423, C replaced by A.
Protein change: p.Leu475Ile; replaces leucine 475 with isoleucine.
Molecular consequence: missense variant.
Genome position (GRCh38, 1-based): chr3:114,350,655, G>T on the plus strand (C>A on the coding strand, the complement: ZBTB20 is on the minus strand). VCF-style: chr3-114350655-G-T. GRCh37 (hg19) VCF-style: chr3-114069502-G-T.
Other names: c.1423C>A, p.Leu475Ile (NM_001164342.2, NM_001348803.3, NM_001393393.1 and 1 more transcripts); c.1204C>A, p.Leu402Ile (NM_001164343.2, NM_001164344.4, NM_001164345.4 and 9 more transcripts); short protein forms L402I, L475I.
Identifiers: ClinVar variation 1697013 (VCV001697013.2), dbSNP rs2108203097, ClinGen allele CA354009804.